The following is an entry in ClinVar:

NM_024422.6(DSC2):c.656A>T (p.Asp219Val)

Gene: DSC2 (desmocollin 2; minus strand). Cytogenetic location: 18q12.1.
Variant type: single nucleotide variant.
Coding change: c.656A>T on transcript NM_024422.6 (MANE Select); coding-DNA position 656, A replaced by T.
Protein change: p.Asp219Val; replaces aspartic acid 219 with valine.
Molecular consequence: missense variant.
Genome position (GRCh38, 1-based): chr18:31,087,788, T>A on the plus strand (A>T on the coding strand, the complement: DSC2 is on the minus strand). VCF-style: chr18-31087788-T-A. GRCh37 (hg19) VCF-style: chr18-28667751-T-A.
Other names: c.656A>T (NM_024422.3); c.656A>T, p.Asp219Val (NM_004949.5); short protein forms D219V.
Identifiers: ClinVar variation 1400406 (VCV001400406.9), dbSNP rs1047981208, ClinGen allele CA297640673.

ClinVar aggregate classification (germline): Uncertain significance. Review status: criteria provided, multiple submitters, no conflicts (2 of 4 stars). 2 submissions from 2 submitters: Uncertain significance (2). Last evaluated 2025-06-17.

Conditions:
Arrhythmogenic right ventricular dysplasia 11. Also called: Arrhythmogenic right ventricular dysplasia 11 with mild palmoplantar keratoderma and woolly hair; Arrhythmogenic Right Ventricular Dysplasia/Cardiomyopathy11; ARRHYTHMOGENIC RIGHT VENTRICULAR DYSPLASIA, FAMILIAL, 11. Identifiers: MedGen C1864850, MONDO:0012506, OMIM 610476.

Allele frequency attached by ClinVar (database versions not stated): TOPMed below 0.00001.
gnomAD v4.1: 8 of 1,613,874 alleles (0.0005%); highest among the groups gnomAD compares: Non-Finnish European, 0.00059%; no homozygotes.

Submissions (2):

GeneDx
Classification: Uncertain significance. Last evaluated: 2025-06-17. Review status: criteria provided, single submitter. Criteria: GeneDx Variant Classification Process June 2021. Collection method: clinical testing. Allele origin: germline. Affected: yes.
Comment: Not observed at significant frequency in large population cohorts (gnomAD); In silico analysis supports that this missense variant has a deleterious effect on protein structure/function; Has not been previously published as pathogenic or benign to our knowledge

Labcorp Genetics (formerly Invitae), Labcorp
Classification: Uncertain significance for Arrhythmogenic right ventricular dysplasia 11. Last evaluated: 2021-07-14. Review status: criteria provided, single submitter. Criteria: Invitae Variant Classification Sherloc (09022015). Collection method: clinical testing. Allele origin: germline.
Comment: In summary, the available evidence is currently insufficient to determine the role of this variant in disease. Therefore, it has been classified as a Variant of Uncertain Significance. This sequence change replaces aspartic acid with valine at codon 219 of the DSC2 protein (p.Asp219Val). The aspartic acid residue is moderately conserved and there is a large physicochemical difference between aspartic acid and valine. This variant is not present in population databases (ExAC no frequency). This variant has not been reported in the literature in individuals affected with DSC2-related conditions. Algorithms developed to predict the effect of missense changes on protein structure and function are either unavailable or do not agree on the potential impact of this missense change (SIFT: "Deleterious"; PolyPhen-2: "Probably Damaging"; Align-GVGD: "Class C15").